The following is an entry in ClinVar:

ClinVar aggregate classification (germline): Uncertain significance (1 of 4 stars; one submission).

Submission:

GeneDx
Classification: Uncertain significance. Last evaluated: 2022-03-19. Review status: criteria provided, single submitter. Criteria: GeneDx Variant Classification Process June 2021. Collection method: clinical testing. Allele origin: germline. Affected: yes.
Comment: Not observed at significant frequency in large population cohorts (gnomAD); In silico analysis supports that this missense variant has a deleterious effect on protein structure/function; Has not been previously published as pathogenic or benign to our knowledge

NM_001197104.2(KMT2A):c.2356C>T (p.Pro786Ser)

Gene: KMT2A (lysine methyltransferase 2A; plus strand). Cytogenetic location: 11q23.3.
Variant type: single nucleotide variant.
Coding change: c.2356C>T on transcript NM_001197104.2 (MANE Select); coding-DNA position 2356, C replaced by T.
Protein change: p.Pro786Ser; replaces proline 786 with serine.
Molecular consequence: missense variant.
Genome position (GRCh38, 1-based): chr11:118,473,515, C>T. VCF-style: chr11-118473515-C-T. GRCh37 (hg19) VCF-style: chr11-118344230-C-T.
Other names: c.2356C>T, p.Pro786Ser (NM_005933.4); short protein forms P786S.
Identifiers: ClinVar variation 1706965 (VCV001706965.2), dbSNP rs782547369, ClinGen allele CA382814809.